The following is an entry in ClinVar:

NM_172362.3(KCNH1):c.1123G>A (p.Gly375Arg)

Gene: KCNH1 (potassium voltage-gated channel subfamily H member 1; minus strand). Cytogenetic location: 1q32.2.
Variant type: single nucleotide variant.
Coding change: c.1123G>A on transcript NM_172362.3 (MANE Select); coding-DNA position 1123, G replaced by A.
Protein change: p.Gly375Arg; replaces glycine 375 with arginine.
Molecular consequence: missense variant.
Genome position (GRCh38, 1-based): chr1:210,919,979, C>T on the plus strand (G>A on the coding strand, the complement: KCNH1 is on the minus strand). VCF-style: chr1-210919979-C-T. GRCh37 (hg19) VCF-style: chr1-211093321-C-T.
Other names: c.1042G>A, p.Gly348Arg (NM_002238.4); short protein forms G348R, G375R.
Identifiers: ClinVar variation 183415 (VCV000183415.2), dbSNP rs730882174, ClinGen allele CA215102.

ClinVar aggregate classification (germline): Pathogenic. Review status: no assertion criteria provided (0 of 4 stars). 2 submissions from 2 submitters: Pathogenic (2). Last evaluated 2015-06-01.

Conditions:
Zimmermann-Laband syndrome 1 (ZLS1). Identifiers: Orphanet 3473, MedGen C4551773, MONDO:0024526, OMIM 135500.

Submissions (2):

OMIM
Classification: Pathogenic for ZIMMERMANN-LABAND SYNDROME 1. Last evaluated: 2015-06-01. Review status: no assertion criteria provided. Collection method: literature only. Allele origin: germline.

Reparto di Fisiopatologia delle Malattie Genetiche, Dipartimento di Ematologia, Oncologia; Istituto Superiore di Sanità
Classification: Pathogenic for Laband syndrome. Review status: no assertion criteria provided. Collection method: not provided. Allele origin: de novo.
Comment: Genomic DNA was isolated from peripheral blood leukocytes.
ClinVar note: Converted during submission from pathogenic to Pathogenic.

Literature cited by the submitters: PubMed 18541964 (cited by OMIM); PubMed 25915598 (cited by OMIM).